The following is an entry in ClinVar:

NM_000038.6(APC):c.1744-11_1744-1del

Gene: APC (APC regulator of Wnt signaling pathway; plus strand). Cytogenetic location: 5q22.2.
Variant type: Deletion.
Coding change: c.1744-11_1744-1del on transcript NM_000038.6 (MANE Select); 11 bases into the intron before coding-DNA position 1744 through the canonical splice acceptor site of the intron before coding-DNA position 1744, 11 bases deleted (TTTCTTACTAG).
Molecular consequence: splice acceptor variant.
Genome position (GRCh38, 1-based): chr5:112,834,940-112,834,950, TTTCTTACTAG deleted; deleting any 11 consecutive bases within chr5:112,834,939-112,834,950 gives the same sequence; the c. name uses the placement nearest the transcript's 3' end. VCF-style (leftmost placement, unchanged base first): chr5-112834938-TGTTTCTTACTA-T. GRCh37 (hg19) VCF-style: chr5-112170635-TGTTTCTTACTA-T.
Other names: c.1744-11_1744-1del (NM_001354895.2, NM_001127510.3); c.1774-11_1774-1del (NM_001354897.2); c.1471-11_1471-1del (NM_001354902.2); c.1690-11_1690-1del (NM_001127511.3); c.1669-11_1669-1del (NM_001354898.2); c.1366-11_1366-1del (NM_001354904.2); c.895-11_895-1del (NM_001354906.2); c.1798-11_1798-1del (NM_001354896.2); and 5 more.
Identifiers: ClinVar variation 411361 (VCV000411361.48), dbSNP rs1064792977, ClinGen allele CA16611652.
Genomic context (GRCh38, chr5:112,834,938, plus strand): 5'-ATCAGTAACATAGAAGTTAATGAGAGACAAATTCCAACTCTAATTAGATGACCCATATTC[TGTTTCTTACTA>T]GGAATCAACCCTCAAAAGCGTATTGAGTGCCTTATGGAATTTGTCAGCACATTGCACTGA-3'

ClinVar aggregate classification (germline): Likely pathogenic. Review status: criteria provided, multiple submitters, no conflicts (2 of 4 stars). 2 submissions from 2 submitters: Likely pathogenic (2). Last evaluated 2023-05-03.

Conditions:
Familial adenomatous polyposis 1 (FAP1). Also called: FAMILIAL ADENOMATOUS POLYPOSIS 1, ATTENUATED; POLYPOSIS, ADENOMATOUS INTESTINAL. Identifiers: MedGen C2713442, MONDO:0021056, OMIM 175100. Disease mechanism: loss of function.

Submissions (2):

Myriad Genetics, Inc.
Classification: Likely pathogenic for Familial adenomatous polyposis 1. Last evaluated: 2023-05-03. Review status: criteria provided, single submitter. Criteria: Myriad Autosomal Dominant, Autosomal Recessive and X-Linked Classification Criteria (2023). Collection method: clinical testing. Allele origin: unknown.
Comment: This variant is considered likely pathogenic. This variant occurs within a consensus splice junction and is predicted to result in abnormal mRNA splicing of either an out-of-frame exon or an in-frame exon necessary for protein stability and/or normal function.

Labcorp Genetics (formerly Invitae), Labcorp
Classification: Likely pathogenic for Familial adenomatous polyposis 1. Last evaluated: 2016-07-29. Review status: criteria provided, single submitter. Criteria: Invitae Variant Classification Sherloc (09022015). Collection method: clinical testing. Allele origin: germline.
Comment: In summary, donor and acceptor splice site variants are typically truncating (PMID: 16199547), and truncating variants in APC are known to be pathogenic (PMID: 20685668, 17963004). However, without additional functional and/or genetic data, this variant has been classified as Likely Pathogenic. This variant is not present in population databases (ExAC no frequency) and has not been reported in the literature in individuals with a APC-related disease. This sequence change affects an acceptor splice site in intron 14 of the APC gene. It is expected to disrupt mRNA splicing and likely results in an absent or disrupted protein product.

Literature cited by the submitters: PubMed 16199547 (cited by Labcorp Genetics (formerly Invitae), Labcorp); PubMed 20685668 (cited by Labcorp Genetics (formerly Invitae), Labcorp); PubMed 17963004 (cited by Labcorp Genetics (formerly Invitae), Labcorp).